The following is an entry in ClinVar:

NM_000548.5(TSC2):c.5195C>T (p.Pro1732Leu)

Gene: TSC2 (TSC complex subunit 2; plus strand). Cytogenetic location: 16p13.3.
Variant type: single nucleotide variant.
Coding change: c.5195C>T on transcript NM_000548.5 (MANE Select); coding-DNA position 5195, C replaced by T.
Protein change: p.Pro1732Leu; replaces proline 1732 with leucine.
Molecular consequence: missense variant.
Genome position (GRCh38, 1-based): chr16:2,088,261, C>T. VCF-style: chr16-2088261-C-T. GRCh37 (hg19) VCF-style: chr16-2138262-C-T.
Other names: c.4994C>T, p.Pro1665Leu (NM_001077183.3); c.5126C>T, p.Pro1709Leu (NM_001114382.3); c.4886C>T, p.Pro1629Leu (NM_001318827.2); c.4850C>T, p.Pro1617Leu (NM_001318829.2); c.4463C>T, p.Pro1488Leu (NM_001318831.2); c.5027C>T, p.Pro1676Leu (NM_001318832.2); c.4997C>T, p.Pro1666Leu (NM_001363528.2); c.5063C>T, p.Pro1688Leu (NM_001370404.1); and 27 more; short protein forms P1217L, P1218L, P1241L, P1261L, P1508L, P1509L, P1512L, P1629L.
Identifiers: ClinVar variation 1745939 (VCV001745939.6), dbSNP rs1446388626, ClinGen allele CA394314204.

ClinVar aggregate classification (germline): Conflicting classifications of pathogenicity. Review status: criteria provided, conflicting classifications (1 of 4 stars). 3 submissions from 3 submitters: Uncertain significance (2); Benign (1). Last evaluated 2025-04-23.

Conditions:
Hereditary cancer-predisposing syndrome. Also called: Neoplastic Syndromes, Hereditary; Tumor predisposition; Hereditary Cancer Syndrome; Hereditary neoplastic syndrome. Identifiers: Orphanet 140162, MedGen C0027672, MeSH D009386, MONDO:0015356.
Isolated focal cortical dysplasia type II (FCORD2). Also called: CORTICAL DYSPLASIA OF TAYLOR; Focal cortical dysplasia type II. Identifiers: Orphanet 268994, MedGen C1846385, MONDO:0011818, OMIM 607341, HP:0032051.
Tuberous sclerosis 2 (TSC2). Identifiers: Orphanet 805, MedGen C1860707, MONDO:0013199, OMIM 613254.

Allele frequency attached by ClinVar (database versions not stated): gnomAD exomes below 0.00001; gnomAD 0.00001.
gnomAD v4.1: 3 of 1,613,014 alleles (0.00019%); highest among the groups gnomAD compares: African/African-American, 0.0013%; no homozygotes.

Submissions (3):

Labcorp Genetics (formerly Invitae), Labcorp
Classification: Benign for Tuberous sclerosis 2. Last evaluated: 2025-04-23. Review status: criteria provided, single submitter. Criteria: Invitae Variant Classification Sherloc (09022015). Collection method: clinical testing. Allele origin: germline.

Baylor Genetics
Classification: Uncertain significance for Isolated focal cortical dysplasia type II. Last evaluated: 2023-10-10. Review status: criteria provided, single submitter. Criteria: ACMG Guidelines, 2015. Collection method: clinical testing. Allele origin: unknown.

Ambry Genetics
Classification: Uncertain significance for Hereditary cancer-predisposing syndrome. Last evaluated: 2021-05-01. Review status: criteria provided, single submitter. Criteria: Ambry Variant Classification Scheme 2023. Collection method: clinical testing. Allele origin: germline.
Comment: The p.P1732L variant (also known as c.5195C>T), located in coding exon 40 of the TSC2 gene, results from a C to T substitution at nucleotide position 5195. The proline at codon 1732 is replaced by leucine, an amino acid with similar properties. This amino acid position is highly conserved in available vertebrate species. In addition, this alteration is predicted to be deleterious by in silico analysis. Since supporting evidence is limited at this time, the clinical significance of this alteration remains unclear.